The following is an entry in ClinVar:

NM_020376.4(PNPLA2):c.372C>T (p.Gly124=)

Gene: PNPLA2 (patatin like domain 2, triacylglycerol lipase; plus strand). Cytogenetic location: 11p15.5.
Variant type: single nucleotide variant.
Coding change: c.372C>T on transcript NM_020376.4 (MANE Select); coding-DNA position 372, C replaced by T.
Protein change: p.Gly124=; no amino-acid change (glycine 124 retained).
Molecular consequence: synonymous variant.
Genome position (GRCh38, 1-based): chr11:821,812, C>T. VCF-style: chr11-821812-C-T. GRCh37 (hg19) VCF-style: chr11-821812-C-T.
Identifiers: ClinVar variation 852313 (VCV000852313.6), dbSNP rs140052906, ClinGen allele CA5790950.
Genomic context (GRCh38, chr11:821,812, plus strand): 5'-TGATAGCCATGAGCATGCCAGTGGGCGCCTGGGCATCTCCCTGACCCGCGTGTCAGACGG[C>T]GAGAATGTCATTATATCCCACTTCAACTCCAAGGACGAGCTCATCCAGGTGGGGCCTGGT-3'
Protein context (NP_065109.1, residues 114-134): LGISLTRVSD[Gly124=]ENVIISHFNS

ClinVar aggregate classification (germline): Uncertain significance (1 of 4 stars; one submission).

Conditions:
Neutral lipid storage myopathy (NLSDM). Also called: NEUTRAL LIPID STORAGE DISEASE WITHOUT ICHTHYOSIS. Identifiers: Orphanet 98908, MedGen C1853136, MONDO:0012545, OMIM 610717.

Allele frequency attached by ClinVar (database versions not stated): gnomAD exomes 0.00001 and 0.00003; ExAC 0.00004; gnomAD 0.00005; TOPMed 0.00006; ESP Exome Variant Server 0.00008.
gnomAD v4.1: 17 of 1,613,918 alleles (0.0011%); highest among the groups gnomAD compares: African/African-American, 0.013%; no homozygotes.

Submission:

Labcorp Genetics (formerly Invitae), Labcorp
Classification: Uncertain significance for Neutral lipid storage myopathy. Last evaluated: 2025-06-20. Review status: criteria provided, single submitter. Criteria: Invitae Variant Classification Sherloc (09022015). Collection method: clinical testing. Allele origin: germline.
Comment: This sequence change affects codon 124 of the PNPLA2 mRNA. It is a 'silent' change, meaning that it does not change the encoded amino acid sequence of the PNPLA2 protein. This variant is present in population databases (rs140052906, gnomAD 0.03%). This variant has not been reported in the literature in individuals affected with PNPLA2-related conditions. ClinVar contains an entry for this variant (Variation ID: 852313). Algorithms developed to predict the effect of sequence changes on RNA splicing suggest that this variant may create or strengthen a splice site. In summary, the available evidence is currently insufficient to determine the role of this variant in disease. Therefore, it has been classified as a Variant of Uncertain Significance.